The following is an entry in ClinVar:

NM_001378609.3(OTOGL):c.1776G>T (p.Lys592Asn)

Gene: OTOGL (otogelin like; plus strand). Cytogenetic location: 12q21.31.
Variant type: single nucleotide variant.
Coding change: c.1776G>T on transcript NM_001378609.3 (MANE Select); coding-DNA position 1776, G replaced by T.
Protein change: p.Lys592Asn; replaces lysine 592 with asparagine.
Molecular consequence: missense variant.
Genome position (GRCh38, 1-based): chr12:80,257,889, G>T. VCF-style: chr12-80257889-G-T. GRCh37 (hg19) VCF-style: chr12-80651669-G-T.
Other names: c.1776G>T, p.Lys592Asn (NM_001368062.3, NM_001378610.3, NM_173591.7); short protein forms K592N.
Identifiers: ClinVar variation 4984359 (VCV004984359.1).

ClinVar aggregate classification (germline): Uncertain significance (1 of 4 stars; one submission).

Conditions:
OTOGL-related disorder. Also called: OTOGL-related condition.

gnomAD v4.1: 3 of 1,596,126 alleles (0.00019%); highest among the groups gnomAD compares: Admixed American, 0.0034%; no homozygotes.

Submission:

PreventionGenetics, part of Exact Sciences
Classification: Uncertain significance for OTOGL-related condition. Last evaluated: 2026-01-23. Review status: criteria provided, single submitter. Criteria: ACMG Guidelines, 2015. Collection method: clinical testing. Allele origin: germline.
Comment: The OTOGL c.1749G>T variant is predicted to result in the amino acid substitution p.Lys583Asn. To our knowledge, this variant has not been reported in the literature. This variant is reported in 0.0067% of alleles in individuals of African descent in gnomAD. At this time, the clinical significance of this variant is uncertain due to the absence of conclusive functional and genetic evidence.